The following is an entry in ClinVar:

NM_017841.4(SDHAF2):c.24G>T (p.Ser8=)

Gene: SDHAF2 (succinate dehydrogenase complex assembly factor 2; plus strand). Cytogenetic location: 11q12.2.
Variant type: single nucleotide variant.
Coding change: c.24G>T on transcript NM_017841.4 (MANE Select); coding-DNA position 24, G replaced by T.
Protein change: p.Ser8=; no amino-acid change (serine 8 retained).
Molecular consequence: synonymous variant.
Genome position (GRCh38, 1-based): chr11:61,430,170, G>T. VCF-style: chr11-61430170-G-T. GRCh37 (hg19) VCF-style: chr11-61197642-G-T.
Identifiers: ClinVar variation 1092465 (VCV001092465.10), dbSNP rs764251580, ClinGen allele CA474519170.
Genomic context (GRCh38, chr11:61,430,170, plus strand): 5'-GTGCCCGCGCAGCCGGTTTCCGGTGCAGGTGGGGAAAATGGCGGTGTCTACAGTGTTCTC[G>T]ACTTCGTCGCTGGTGAGGAGAGAGAACGTTCTAGCGTCCGGGGCGGGCGGCAGCGGGGAT-3'
Protein context (NP_060311.1, residues 1-18): MAVSTVF[Ser8=]TSSLMLALSR

ClinVar aggregate classification (germline): Likely benign. Review status: criteria provided, multiple submitters, no conflicts (2 of 4 stars). 2 submissions from 2 submitters: Likely benign (2). Last evaluated 2024-10-21.

Conditions:
Hereditary pheochromocytoma and paraganglioma. Also called: Hereditary paragangliomas and pheochromocytomas; Hereditary pheochromocytoma-paraganglioma; Hereditary Paraganglioma-Pheochromocytoma Syndromes. Identifiers: Orphanet 29072, MedGen C4274332, MONDO:0017366.

Submissions (2):

Labcorp Genetics (formerly Invitae), Labcorp
Classification: Likely benign for Hereditary pheochromocytoma and paraganglioma. Last evaluated: 2024-10-21. Review status: criteria provided, single submitter. Criteria: Invitae Variant Classification Sherloc (09022015). Collection method: clinical testing. Allele origin: germline.

All of Us Research Program, National Institutes of Health
Classification: Likely benign for Hereditary pheochromocytoma and paraganglioma. Last evaluated: 2023-10-06. Review status: criteria provided, single submitter. Criteria: ACMG Guidelines, 2015. Collection method: clinical testing. Allele origin: germline. Inheritance: Autosomal dominant inheritance. Observed: 1 variant allele, 1 heterozygote.
Comment: This study involves interpretation of variants in research participants for the purpose of population health screening. Participant phenotype was not available at the time of variant classification. Additional details can be found in publication PMID: 35346344, PMCID: PMC8962531